The following is an entry in ClinVar:

ClinVar aggregate classification (germline): Uncertain significance (1 of 4 stars; one submission).

Conditions:
Hypertrophic cardiomyopathy. Also called: HYPERTROPHIC MYOCARDIOPATHY. Identifiers: Orphanet 217569, MedGen C0007194, MeSH D002312, MONDO:0005045, HP:0001639.

Submission:

Labcorp Genetics (formerly Invitae), Labcorp
Classification: Uncertain significance for Hypertrophic cardiomyopathy. Last evaluated: 2025-10-27. Review status: criteria provided, single submitter. Criteria: Invitae Variant Classification Sherloc (09022015). Collection method: clinical testing. Allele origin: germline.
Comment: This sequence change replaces lysine, which is basic and polar, with glutamic acid, which is acidic and polar, at codon 234 of the MYH7 protein (p.Lys234Glu). This variant is not present in population databases (gnomAD no frequency). This variant has not been reported in the literature in individuals affected with MYH7-related conditions. ClinVar contains an entry for this variant (Variation ID: 956719). Invitae Evidence Modeling of protein sequence and biophysical properties (such as structural, functional, and spatial information, amino acid conservation, physicochemical variation, residue mobility, and thermodynamic stability) indicates that this missense variant is expected to disrupt MYH7 protein function with a positive predictive value of 95%. This variant is found within a region of MYH7 between codons 181 and 937 that contains the majority of the myosin head domain. Missense variants in this region have been shown to be significantly overrepresented in individuals with hypertrophic cardiomyopathy (PMID: 27532257). In summary, the available evidence is currently insufficient to determine the role of this variant in disease. Therefore, it has been classified as a Variant of Uncertain Significance.

Literature cited by the submitters: PubMed 27532257.

NM_000257.4(MYH7):c.700A>G (p.Lys234Glu)

Gene: MYH7 (myosin heavy chain 7; minus strand). Cytogenetic location: 14q11.2.
Variant type: single nucleotide variant.
Coding change: c.700A>G on transcript NM_000257.4 (MANE Select); coding-DNA position 700, A replaced by G.
Protein change: p.Lys234Glu; replaces lysine 234 with glutamic acid.
Molecular consequence: missense variant.
Genome position (GRCh38, 1-based): chr14:23,431,617, T>C on the plus strand (A>G on the coding strand, the complement: MYH7 is on the minus strand). VCF-style: chr14-23431617-T-C. GRCh37 (hg19) VCF-style: chr14-23900826-T-C.
Other names: short protein forms K234E.
Identifiers: ClinVar variation 956719 (VCV000956719.9), dbSNP rs1892944510, ClinGen allele CA389052230.